The following is an entry in ClinVar:

ClinVar aggregate classification (germline): Uncertain significance (1 of 4 stars; one submission).

Allele frequency attached by ClinVar (database versions not stated): gnomAD exomes 0.00001.
gnomAD v4.1: 8 of 1,613,780 alleles (0.0005%); highest among the groups gnomAD compares: South Asian, 0.0011%; no homozygotes.

Submission:

Labcorp Genetics (formerly Invitae), Labcorp
Classification: Uncertain significance. Last evaluated: 2024-09-17. Review status: criteria provided, single submitter. Criteria: Invitae Variant Classification Sherloc (09022015). Collection method: clinical testing. Allele origin: germline.
Comment: This sequence change replaces serine, which is neutral and polar, with asparagine, which is neutral and polar, at codon 689 of the CFH protein (p.Ser689Asn). This variant is present in population databases (no rsID available, gnomAD 0.0009%). This variant has not been reported in the literature in individuals affected with CFH-related conditions. ClinVar contains an entry for this variant (Variation ID: 2092816). An algorithm developed to predict the effect of missense changes on protein structure and function (PolyPhen-2) suggests that this variant is likely to be tolerated. In summary, the available evidence is currently insufficient to determine the role of this variant in disease. Therefore, it has been classified as a Variant of Uncertain Significance.

NM_000186.4(CFH):c.2066G>A (p.Ser689Asn)

Gene: CFH (complement factor H; plus strand). Cytogenetic location: 1q31.3.
Variant type: single nucleotide variant.
Coding change: c.2066G>A on transcript NM_000186.4 (MANE Select); coding-DNA position 2066, G replaced by A.
Protein change: p.Ser689Asn; replaces serine 689 with asparagine.
Molecular consequence: missense variant.
Genome position (GRCh38, 1-based): chr1:196,726,770, G>A. VCF-style: chr1-196726770-G-A. GRCh37 (hg19) VCF-style: chr1-196695900-G-A.
Other names: short protein forms S689N.
Identifiers: ClinVar variation 2092816 (VCV002092816.4), dbSNP rs1266913013, ClinGen allele CA343988475.